The following is an entry in ClinVar:

NM_020738.4(KIDINS220):c.340A>G (p.Lys114Glu)

Gene: KIDINS220 (kinase D interacting substrate 220; minus strand). Cytogenetic location: 2p25.1.
Variant type: single nucleotide variant.
Coding change: c.340A>G on transcript NM_020738.4 (MANE Select); coding-DNA position 340, A replaced by G.
Protein change: p.Lys114Glu; replaces lysine 114 with glutamic acid.
Molecular consequence: missense variant. On other transcripts: non-coding transcript variant (2).
Genome position (GRCh38, 1-based): chr2:8,813,302, T>C on the plus strand (A>G on the coding strand, the complement: KIDINS220 is on the minus strand). VCF-style: chr2-8813302-T-C. GRCh37 (hg19) VCF-style: chr2-8953432-T-C.
Other names: c.340A>G, p.Lys114Glu (NM_001348729.2, NM_001348731.2, NM_001348732.2 and 9 more transcripts); c.214A>G, p.Lys72Glu (NM_001348736.2); short protein forms K114E, K72E.
Identifiers: ClinVar variation 4680983 (VCV004680983.1).

ClinVar aggregate classification (germline): Uncertain significance (1 of 4 stars; one submission).

gnomAD v4.1: 2 of 1,613,332 alleles (0.00012%); highest among the groups gnomAD compares: African/African-American, 0.0013%; no homozygotes.

Submission:

GeneDx
Classification: Uncertain significance. Last evaluated: 2025-06-30. Review status: criteria provided, single submitter. Criteria: GeneDx Variant Classification Process June 2021. Collection method: clinical testing. Allele origin: germline. Affected: yes.
Comment: Not observed at significant frequency in large population cohorts (gnomAD); In silico analysis supports that this missense variant has a deleterious effect on protein structure/function; Has not been previously published as pathogenic or benign to our knowledge